The following is an entry in ClinVar:

ClinVar aggregate classification (germline): Benign (1 of 4 stars; one submission).

Allele frequency attached by ClinVar (database versions not stated): gnomAD 0.33190.

Submissions (8):

GeneDx
Classification: Benign. Last evaluated: 2018-06-18. Review status: criteria provided, single submitter. Criteria: GeneDx Variant Classification (06012015). Collection method: clinical testing. Allele origin: germline. Affected: yes.
Comment: This variant is considered likely benign or benign based on one or more of the following criteria: it is a conservative change, it occurs at a poorly conserved position in the protein, it is predicted to be benign by multiple in silico algorithms, and/or has population frequency not consistent with disease.

Dr. Peter K. Rogan Lab, Western University
No classification provided (evidence only). Condition: Uterine corpus endometrial carcinoma. Review status: no classification provided. Collection method: in vitro. Allele origin: not applicable. Functional consequence: retained intron. Not counted in ClinVar's aggregate classification.

Dr. Peter K. Rogan Lab, Western University
No classification provided (evidence only). Condition: Thymoma. Review status: no classification provided. Collection method: in vitro. Allele origin: not applicable. Functional consequence: retained intron. Not counted in ClinVar's aggregate classification.

Dr. Peter K. Rogan Lab, Western University
No classification provided (evidence only). Condition: Gastric cancer. Review status: no classification provided. Collection method: in vitro. Allele origin: not applicable. Functional consequence: retained intron. Not counted in ClinVar's aggregate classification.

Dr. Peter K. Rogan Lab, Western University
No classification provided (evidence only). Condition: Gastric cancer. Review status: no classification provided. Collection method: in vitro. Allele origin: not applicable. Functional consequence: retained intron. Not counted in ClinVar's aggregate classification.

Dr. Peter K. Rogan Lab, Western University
No classification provided (evidence only). Condition: Gastric cancer. Review status: no classification provided. Collection method: in vitro. Allele origin: not applicable. Functional consequence: retained intron. Not counted in ClinVar's aggregate classification.

Dr. Peter K. Rogan Lab, Western University
No classification provided (evidence only). Condition: Uterine carcinosarcoma. Review status: no classification provided. Collection method: in vitro. Allele origin: not applicable. Functional consequence: retained intron. Not counted in ClinVar's aggregate classification.

Dr. Peter K. Rogan Lab, Western University
No classification provided (evidence only). Condition: Uterine carcinosarcoma. Review status: no classification provided. Collection method: in vitro. Allele origin: not applicable. Functional consequence: retained intron. Not counted in ClinVar's aggregate classification.

NM_032578.4(MYPN):c.1974-218T>G

Gene: MYPN (myopalladin; plus strand). Cytogenetic location: 10q21.3.
Variant type: single nucleotide variant.
Coding change: c.1974-218T>G on transcript NM_032578.4 (MANE Select); 218 bases into the intron before coding-DNA position 1974, T replaced by G.
Molecular consequence: intron variant.
Genome position (GRCh38, 1-based): chr10:68,173,848, T>G. VCF-style: chr10-68173848-T-G. GRCh37 (hg19) VCF-style: chr10-69933605-T-G.
Other names: NC_000010.10:g.69933605T>G; c.1974-218T>G (NM_001256267.2); c.1092-218T>G (NM_001256268.2).
Identifiers: ClinVar variation 672836 (VCV000672836.2), dbSNP rs61854651, ClinGen allele CA208203332.